The following is an entry in ClinVar:

NM_005585.5(SMAD6):c.1192G>A (p.Asp398Asn)

Gene: SMAD6 (SMAD family member 6; plus strand). Cytogenetic location: 15q22.31.
Variant type: single nucleotide variant.
Coding change: c.1192G>A on transcript NM_005585.5 (MANE Select); coding-DNA position 1192, G replaced by A.
Protein change: p.Asp398Asn; replaces aspartic acid 398 with asparagine.
Molecular consequence: missense variant. On other transcripts: non-coding transcript variant (1).
Genome position (GRCh38, 1-based): chr15:66,781,236, G>A. VCF-style: chr15-66781236-G-A. GRCh37 (hg19) VCF-style: chr15-67073574-G-A.
Other names: short protein forms D398N.
Identifiers: ClinVar variation 4680939 (VCV004680939.1).

ClinVar aggregate classification (germline): Uncertain significance (1 of 4 stars; one submission).

gnomAD v4.1: 2 of 1,608,596 alleles (0.00012%); highest among the groups gnomAD compares: East Asian, 0.0045%; no homozygotes.

Submission:

GeneDx
Classification: Uncertain significance. Last evaluated: 2025-07-02. Review status: criteria provided, single submitter. Criteria: GeneDx Variant Classification Process June 2021. Collection method: clinical testing. Allele origin: germline. Affected: yes.
Comment: Not observed at significant frequency in large population cohorts (gnomAD); In silico analysis supports that this missense variant has a deleterious effect on protein structure/function; Has not been previously published as pathogenic or benign to our knowledge.